The following is an entry in ClinVar:

ClinVar aggregate classification (germline): Uncertain significance (1 of 4 stars; one submission).

Submission:

Women's Health and Genetics/Laboratory Corporation of America, LabCorp
Classification: Uncertain significance. Last evaluated: 2024-10-02. Review status: criteria provided, single submitter. Criteria: LabCorp Variant Classification Summary - May 2015. Collection method: clinical testing. Allele origin: germline.
Comment: Variant summary: The variant involves the deletion of exons 1-49 in the CACNA1D gene. A presumed nomenclature of c.(?_-557)_(*2328_?)del has been designated for the purposes of this classification. This deletion includes the entire coding sequence of the gene. As the exact proximal and distal breakpoints are unknown, it may extend beyond the annotated region of the gene to include other flanking genes. Current evidence is not sufficient to establish loss of function as a mechanism for disease. The variant was absent in 21694 control chromosomes (gnomAD Structural Variants dataset v2.1). The available data on variant occurrences in the general population are insufficient to allow any conclusion about variant significance. To our knowledge, no occurrence of c.(?_-557)_(*2328_?)del in individuals affected with CACNA1D-related disorders and no experimental evidence demonstrating its impact on protein function have been reported. ClinVar contains an entry for a similar variant (Variation ID: 2423375). Based on the evidence outlined above, the variant was classified as uncertain significance.

NC_000003.11:g.(?_53528637)_(53847761_?)del

Gene: CACNA1D (calcium voltage-gated channel subunit alpha1 D; plus strand). Cytogenetic location: 3p21.1.
Variant type: Deletion.
Identifiers: ClinVar variation 3384970 (VCV003384970.1).